The following is an entry in ClinVar:

ClinVar aggregate classification (germline): Likely benign (1 of 4 stars; one submission).

Submission:

CeGaT Center for Human Genetics Tuebingen
Classification: Likely benign. Last evaluated: 2023-01-01. Review status: criteria provided, single submitter. Criteria: CeGaT Center For Human Genetics Tuebingen Variant Classification Criteria Version 2. Collection method: clinical testing. Allele origin: germline. Affected: yes. Observed: 2 variant alleles.
Comment: SOX1-OT: BS2

NC_000013.11:g.112014954_112014989del

Gene: SOX1-OT (SOX1 overlapping transcript; plus strand). Cytogenetic location: 13q34.
Variant type: Deletion.
Genome position: GRCh38: chr13:112,014,954-112,014,989. GRCh37 (hg19): chr13:112,669,268-112,669,303.
Identifiers: ClinVar variation 2643959 (VCV002643959.24), dbSNP rs1566461021, ClinGen allele CA612824766.